The following is an entry in ClinVar:

ClinVar aggregate classification (germline): Uncertain significance (1 of 4 stars; one submission).

Conditions:
2-aminoadipic 2-oxoadipic aciduria (AAKAD). Also called: Aminoadipic aciduria; ALPHA-AMINOADIPIC AND ALPHA-KETOADIPIC ACIDURIA. Identifiers: Orphanet 79154, MedGen C1859817, MONDO:0008774, OMIM 204750.

gnomAD v4.1: 13 of 1,613,962 alleles (0.00081%); highest among the groups gnomAD compares: Admixed American, 0.0017%; no homozygotes.

Submission:

Labcorp Genetics (formerly Invitae), Labcorp
Classification: Uncertain significance for 2-aminoadipic 2-oxoadipic aciduria. Last evaluated: 2024-12-18. Review status: criteria provided, single submitter. Criteria: Invitae Variant Classification Sherloc (09022015). Collection method: clinical testing. Allele origin: germline.
Comment: This sequence change replaces alanine, which is neutral and non-polar, with glutamic acid, which is acidic and polar, at codon 743 of the DHTKD1 protein (p.Ala743Glu). This variant is present in population databases (rs368114262, gnomAD 0.02%). This variant has not been reported in the literature in individuals affected with DHTKD1-related conditions. Invitae Evidence Modeling of protein sequence and biophysical properties (such as structural, functional, and spatial information, amino acid conservation, physicochemical variation, residue mobility, and thermodynamic stability) indicates that this missense variant is expected to disrupt DHTKD1 protein function with a positive predictive value of 80%. In summary, the available evidence is currently insufficient to determine the role of this variant in disease. Therefore, it has been classified as a Variant of Uncertain Significance.

NM_018706.7(DHTKD1):c.2228C>A (p.Ala743Glu)

Gene: DHTKD1 (dehydrogenase E1 and transketolase domain containing 1; plus strand). Cytogenetic location: 10p14.
Variant type: single nucleotide variant.
Coding change: c.2228C>A on transcript NM_018706.7 (MANE Select); coding-DNA position 2228, C replaced by A.
Protein change: p.Ala743Glu; replaces alanine 743 with glutamic acid.
Molecular consequence: missense variant.
Genome position (GRCh38, 1-based): chr10:12,112,973, C>A. VCF-style: chr10-12112973-C-A. GRCh37 (hg19) VCF-style: chr10-12154972-C-A.
Other names: short protein forms A743E.
Identifiers: ClinVar variation 3703402 (VCV003703402.2).